The following is an entry in ClinVar:

NM_001457.4(FLNB):c.2516T>A (p.Val839Asp)

Genes: FLNB (filamin B; plus strand), LOC129936935 (ATAC-STARR-seq lymphoblastoid active region 19999; plus strand). Cytogenetic location: 3p14.3.
Variant type: single nucleotide variant.
Coding change: c.2516T>A on transcript NM_001457.4 (MANE Select); coding-DNA position 2516, T replaced by A.
Protein change: p.Val839Asp; replaces valine 839 with aspartic acid.
Molecular consequence: missense variant.
Genome position (GRCh38, 1-based): chr3:58,111,822, T>A. VCF-style: chr3-58111822-T-A. GRCh37 (hg19) VCF-style: chr3-58097549-T-A.
Other names: c.2516T>A, p.Val839Asp (NM_001164317.2, NM_001164318.2, NM_001164319.2); short protein forms V839D.
Identifiers: ClinVar variation 1503791 (VCV001503791.8), dbSNP rs765267560, ClinGen allele CA353345593.

ClinVar aggregate classification (germline): Likely pathogenic (1 of 4 stars; one submission).

Submission:

Labcorp Genetics (formerly Invitae), Labcorp
Classification: Likely pathogenic. Last evaluated: 2021-04-18. Review status: criteria provided, single submitter. Criteria: Invitae Variant Classification Sherloc (09022015). Collection method: clinical testing. Allele origin: germline.
Comment: This variant has been observed in individual(s) with clinical features of Larsen syndrome (PMID: 28229453, Invitae). In at least one individual the variant was observed to be de novo. This variant is not present in population databases (ExAC no frequency). This sequence change replaces valine with aspartic acid at codon 839 of the FLNB protein (p.Val839Asp). The valine residue is highly conserved and there is a large physicochemical difference between valine and aspartic acid. In summary, the currently available evidence indicates that the variant is pathogenic, but additional data are needed to prove that conclusively. Therefore, this variant has been classified as Likely Pathogenic. Algorithms developed to predict the effect of missense changes on protein structure and function (SIFT, PolyPhen-2, Align-GVGD) all suggest that this variant is likely to be disruptive, but these predictions have not been confirmed by published functional studies and their clinical significance is uncertain.

Literature cited by the submitters: PubMed 28229453.